The following is an entry in ClinVar:

NM_020822.3(KCNT1):c.2132C>T (p.Ala711Val)

Gene: KCNT1 (potassium sodium-activated channel subfamily T member 1; plus strand). Cytogenetic location: 9q34.3.
Variant type: single nucleotide variant.
Coding change: c.2132C>T on transcript NM_020822.3 (MANE Select); coding-DNA position 2132, C replaced by T.
Protein change: p.Ala711Val; replaces alanine 711 with valine.
Molecular consequence: missense variant.
Genome position (GRCh38, 1-based): chr9:135,772,838, C>T. VCF-style: chr9-135772838-C-T. GRCh37 (hg19) VCF-style: chr9-138664684-C-T.
Other names: c.1997C>T, p.Ala666Val (NM_001272003.2); short protein forms A711V, A666V.
Identifiers: ClinVar variation 1430372 (VCV001430372.6), dbSNP rs1312096992, ClinGen allele CA375510738.
Genomic context (GRCh38, chr9:135,772,838, plus strand): 5'-GGGGCAGCAAGCTGGCACTGCCCACGGAGAACGGCTCGGGCAGCCGGCGGCCCAGCATCG[C>T]GCCCGTCCTGGAACTGGCCGACAGCTCAGCCCTGCTGCCCTGCGACCTGCTGAGCGACCA-3'
Protein context (NP_065873.2, residues 701-721): NGSGSRRPSI[Ala711Val]PVLELADSSA

ClinVar aggregate classification (germline): Uncertain significance (1 of 4 stars; one submission).

Conditions:
Developmental and epileptic encephalopathy, 14 (DEE14). Also called: Early infantile epileptic encephalopathy 14. Identifiers: Orphanet 293181, MedGen C3554195, MONDO:0013989, OMIM 614959.
Autosomal dominant nocturnal frontal lobe epilepsy 5. Also called: KCNT1-Related Epilepsy; CILIARY DYSKINESIA, PRIMARY, 28, WITH SITUS INVERSUS; Epilepsy, nocturnal frontal lobe, 5; CILIARY DYSKINESIA, PRIMARY, 28, WITHOUT SITUS INVERSUS. Identifiers: Orphanet 98784, MedGen C3554306, MONDO:0014002, OMIM 615005.

Allele frequency attached by ClinVar (database versions not stated): gnomAD exomes below 0.00001.

Submission:

Labcorp Genetics (formerly Invitae), Labcorp
Classification: Uncertain significance for Autosomal dominant nocturnal frontal lobe epilepsy 5; Developmental and epileptic encephalopathy, 14. Last evaluated: 2025-09-05. Review status: criteria provided, single submitter. Criteria: Invitae Variant Classification Sherloc (09022015). Collection method: clinical testing. Allele origin: germline.
Comment: This sequence change replaces alanine, which is neutral and non-polar, with valine, which is neutral and non-polar, at codon 711 of the KCNT1 protein (p.Ala711Val). This variant is not present in population databases (gnomAD no frequency). This variant has not been reported in the literature in individuals affected with KCNT1-related conditions. ClinVar contains an entry for this variant (Variation ID: 1430372). Invitae Evidence Modeling of protein sequence and biophysical properties (such as structural, functional, and spatial information, amino acid conservation, physicochemical variation, residue mobility, and thermodynamic stability) indicates that this missense variant is not expected to disrupt KCNT1 protein function with a negative predictive value of 80%. In summary, the available evidence is currently insufficient to determine the role of this variant in disease. Therefore, it has been classified as a Variant of Uncertain Significance.